The following is an entry in ClinVar:

ClinVar aggregate classification (germline): Uncertain significance (1 of 4 stars; one submission).

Conditions:
Wiskott-Aldrich syndrome 2 (WAS2). Also called: WIPF1 DEFICIENCY. Identifiers: Orphanet 906, MedGen C3281001, MONDO:0013779, OMIM 614493.

Submission:

Labcorp Genetics (formerly Invitae), Labcorp
Classification: Uncertain significance for Wiskott-Aldrich syndrome 2. Last evaluated: 2023-08-10. Review status: criteria provided, single submitter. Criteria: Invitae Variant Classification Sherloc (09022015). Collection method: clinical testing. Allele origin: germline.
Comment: This sequence change replaces aspartic acid, which is acidic and polar, with valine, which is neutral and non-polar, at codon 39 of the WIPF1 protein (p.Asp39Val). In summary, the available evidence is currently insufficient to determine the role of this variant in disease. Therefore, it has been classified as a Variant of Uncertain Significance. An algorithm developed to predict the effect of missense changes on protein structure and function (PolyPhen-2) suggests that this variant is likely to be disruptive. ClinVar contains an entry for this variant (Variation ID: 1714199). This variant has not been reported in the literature in individuals affected with WIPF1-related conditions. This variant is not present in population databases (gnomAD no frequency).

NM_001375834.1(WIPF1):c.116A>T (p.Asp39Val)

Genes: WIPF1 (WAS/WASL interacting protein family member 1; minus strand), WIPF1-AS1 (WIPF1 and CHRNA1 antisense RNA 1; plus strand). Cytogenetic location: 2q31.1.
Variant type: single nucleotide variant.
Coding change: c.116A>T on transcript NM_001375834.1 (MANE Select); coding-DNA position 116, A replaced by T.
Protein change: p.Asp39Val; replaces aspartic acid 39 with valine.
Molecular consequence: missense variant.
Genome position (GRCh38, 1-based): chr2:174,581,375, T>A on the plus strand (A>T on the coding strand, the complement: WIPF1 is on the minus strand). VCF-style: chr2-174581375-T-A. GRCh37 (hg19) VCF-style: chr2-175446103-T-A.
Other names: c.116A>T, p.Asp39Val (NM_001077269.1, NM_001375832.1, NM_001375833.1 and 6 more transcripts); short protein forms D39V.
Identifiers: ClinVar variation 1714199 (VCV001714199.6), dbSNP rs2468511160, ClinGen allele CA349687697.